The following is an entry in ClinVar:

NM_139058.3(ARX):c.406G>A (p.Gly136Arg)

Genes: ARX (aristaless related homeobox; minus strand), LOC109610631 (aristaless related homeobox polyalanine expansion region; plus strand). Cytogenetic location: Xp21.3.
Variant type: single nucleotide variant.
Coding change: c.406G>A on transcript NM_139058.3 (MANE Select); coding-DNA position 406, G replaced by A.
Protein change: p.Gly136Arg; replaces glycine 136 with arginine.
Molecular consequence: missense variant.
Genome position (GRCh38, 1-based): chrX:25,013,589, C>T on the plus strand (G>A on the coding strand, the complement: ARX is on the minus strand). VCF-style: chrX-25013589-C-T. GRCh37 (hg19) VCF-style: chrX-25031706-C-T.
Other names: short protein forms G136R.
Identifiers: ClinVar variation 1327827 (VCV001327827.3), dbSNP rs2147324260, ClinGen allele CA412613249.

ClinVar aggregate classification (germline): Uncertain significance. Review status: criteria provided, multiple submitters, no conflicts (2 of 4 stars). 2 submissions from 2 submitters: Uncertain significance (2). Last evaluated 2025-08-06.

Conditions:
Developmental and epileptic encephalopathy, 1 (DEE1). Also called: OHTAHARA SYNDROME, X-LINKED; INFANTILE SPASM SYNDROME, X-LINKED 1; Epileptic encephalopathy, early infantile, 1; X-linked infantile spasms; West's syndrome; Tonic spasms with clustering, arrest of psychomotor development and hypsarrhythmia on EEG. Identifiers: MedGen C3463992, MONDO:0010632, OMIM 308350. Disease mechanism: loss of function.
Intellectual disability, X-linked, with or without seizures, ARX-related. Also called: INTELLECTUAL DEVELOPMENTAL DISORDER, X-LINKED 29; Mental retardation, X-linked 52; MENTAL RETARDATION, X-LINKED 29; MENTAL RETARDATION, X-LINKED 32; MENTAL RETARDATION, X-LINKED 33; MENTAL RETARDATION, X-LINKED 38. Identifiers: Orphanet 777, MedGen C0796244, MONDO:0010317, OMIM 300419.

Allele frequency attached by ClinVar (database versions not stated): gnomAD exomes below 0.00001.
gnomAD v4.1: 1 of 753,469 alleles (0.00013%); highest among the groups gnomAD compares: Non-Finnish European, 0.00016%; no homozygotes.

Submissions (2):

Labcorp Genetics (formerly Invitae), Labcorp
Classification: Uncertain significance for Developmental and epileptic encephalopathy, 1; Intellectual disability, X-linked, with or without seizures, ARX-related. Last evaluated: 2025-08-06. Review status: criteria provided, single submitter. Criteria: Invitae Variant Classification Sherloc (09022015). Collection method: clinical testing. Allele origin: germline.
Comment: This sequence change replaces glycine, which is neutral and non-polar, with arginine, which is basic and polar, at codon 136 of the ARX protein (p.Gly136Arg). The frequency data for this variant in the population databases is considered unreliable, as metrics indicate insufficient coverage at this position in the gnomAD database. This variant has not been reported in the literature in individuals affected with ARX-related conditions. ClinVar contains an entry for this variant (Variation ID: 1327827). Invitae Evidence Modeling of protein sequence and biophysical properties (such as structural, functional, and spatial information, amino acid conservation, physicochemical variation, residue mobility, and thermodynamic stability) indicates that this missense variant is not expected to disrupt ARX protein function with a negative predictive value of 95%. In summary, the available evidence is currently insufficient to determine the role of this variant in disease. Therefore, it has been classified as a Variant of Uncertain Significance.

GeneDx
Classification: Uncertain significance. Last evaluated: 2021-12-06. Review status: criteria provided, single submitter. Criteria: GeneDx Variant Classification Process June 2021. Collection method: clinical testing. Allele origin: germline. Affected: yes.
Comment: Not observed at significant frequency in large population cohorts (Lek et al., 2016); In silico analysis supports that this missense variant does not alter protein structure/function; Has not been previously published as pathogenic or benign to our knowledge; This variant is associated with the following publications: (PMID: 27535533)